The following is an entry in ClinVar:

ClinVar aggregate classification (germline): Uncertain significance (1 of 4 stars; one submission).

Conditions:
Inborn genetic diseases. Identifiers: MedGen C0950123, MeSH D030342.

Allele frequency attached by ClinVar (database versions not stated): gnomAD exomes below 0.00001; ExAC 0.00001.
gnomAD v4.1: 2 of 1,613,450 alleles (0.00012%); highest among the groups gnomAD compares: East Asian, 0.0022%; no homozygotes.

Submission:

Ambry Genetics
Classification: Uncertain significance for Inborn genetic diseases. Last evaluated: 2024-03-08. Review status: criteria provided, single submitter. Criteria: Ambry Variant Classification Scheme 2023. Collection method: clinical testing. Allele origin: germline.
Comment: The p.H227R variant (also known as c.680A>G), located in coding exon 6 of the LRRK2 gene, results from an A to G substitution at nucleotide position 680. The histidine at codon 227 is replaced by arginine, an amino acid with highly similar properties. This amino acid position is conserved. In addition, this alteration is predicted to be tolerated by in silico analysis. Based on the available evidence, the clinical significance of this alteration remains unclear.

NM_198578.4(LRRK2):c.680A>G (p.His227Arg)

Gene: LRRK2 (leucine rich repeat kinase 2; plus strand). Cytogenetic location: 12q12.
Variant type: single nucleotide variant.
Coding change: c.680A>G on transcript NM_198578.4 (MANE Select); coding-DNA position 680, A replaced by G.
Protein change: p.His227Arg; replaces histidine 227 with arginine.
Molecular consequence: missense variant.
Genome position (GRCh38, 1-based): chr12:40,240,591, A>G. VCF-style: chr12-40240591-A-G. GRCh37 (hg19) VCF-style: chr12-40634393-A-G.
Other names: short protein forms H227R.
Identifiers: ClinVar variation 3229758 (VCV003229758.1), dbSNP rs748666922, ClinGen allele CA6513152.